The following is an entry in ClinVar:

ClinVar aggregate classification (germline): Uncertain significance (1 of 4 stars; one submission).

Conditions:
Dilated cardiomyopathy 1M (CMD1M). Identifiers: Orphanet 154, MedGen C1843808, MONDO:0011840, OMIM 607482.
Hypertrophic cardiomyopathy 12. Identifiers: MedGen C2677491, MONDO:0012804, OMIM 612124.

Submission:

Labcorp Genetics (formerly Invitae), Labcorp
Classification: Uncertain significance for Hypertrophic cardiomyopathy 12; Dilated cardiomyopathy 1M. Last evaluated: 2024-04-24. Review status: criteria provided, single submitter. Criteria: Invitae Variant Classification Sherloc (09022015). Collection method: clinical testing. Allele origin: germline.
Comment: This sequence change replaces valine, which is neutral and non-polar, with leucine, which is neutral and non-polar, at codon 133 of the CSRP3 protein (p.Val133Leu). This variant is not present in population databases (gnomAD no frequency). This variant has not been reported in the literature in individuals affected with CSRP3-related conditions. An algorithm developed to predict the effect of missense changes on protein structure and function (PolyPhen-2) suggests that this variant is likely to be tolerated. In summary, the available evidence is currently insufficient to determine the role of this variant in disease. Therefore, it has been classified as a Variant of Uncertain Significance.

NM_003476.5(CSRP3):c.397G>C (p.Val133Leu)

Gene: CSRP3 (cysteine and glycine rich protein 3; minus strand). Cytogenetic location: 11p15.1.
Variant type: single nucleotide variant.
Coding change: c.397G>C on transcript NM_003476.5 (MANE Select); coding-DNA position 397, G replaced by C.
Protein change: p.Val133Leu; replaces valine 133 with leucine.
Molecular consequence: missense variant.
Genome position (GRCh38, 1-based): chr11:19,186,233, C>G on the plus strand (G>C on the coding strand, the complement: CSRP3 is on the minus strand). VCF-style: chr11-19186233-C-G. GRCh37 (hg19) VCF-style: chr11-19207780-C-G.
Other names: c.228G>C, p.Arg76Ser (NM_001369404.1); short protein forms R76S, V133L.
Identifiers: ClinVar variation 3755984 (VCV003755984.2).